The following is an entry in ClinVar:

NM_001182.5(ALDH7A1):c.53T>C (p.Leu18Pro)

Gene: ALDH7A1 (aldehyde dehydrogenase 7 family member A1; minus strand). Cytogenetic location: 5q23.2.
Variant type: single nucleotide variant.
Coding change: c.53T>C on transcript NM_001182.5 (MANE Select); coding-DNA position 53, T replaced by C.
Protein change: p.Leu18Pro; replaces leucine 18 with proline.
Molecular consequence: missense variant. On other transcripts: 5 prime UTR variant (1).
Genome position (GRCh38, 1-based): chr5:126,595,146, A>G on the plus strand (T>C on the coding strand, the complement: ALDH7A1 is on the minus strand). VCF-style: chr5-126595146-A-G. GRCh37 (hg19) VCF-style: chr5-125930838-A-G.
Other names: c.-32T>C (NM_001201377.2); c.53T>C, p.Leu18Pro (NM_001202404.2); short protein forms L18P.
Identifiers: ClinVar variation 844849 (VCV000844849.10), dbSNP rs1751703307, ClinGen allele CA360733939.

ClinVar aggregate classification (germline): Uncertain significance (1 of 4 stars; one submission).

Conditions:
Pyridoxine-dependent epilepsy (EPEO4). Also called: Pyridoxine-Dependent Epilepsy - ALDH7A1; EPILEPSY, EARLY-ONSET, 4, VITAMIN B6-DEPENDENT; PYRIDOXINE DEPENDENCY WITH SEIZURES; Pyridoxine-Dependent Seizures. Identifiers: Orphanet 3006, MedGen C1849508, MONDO:0009945, OMIM 266100. Disease mechanism: loss of function.

Submission:

Labcorp Genetics (formerly Invitae), Labcorp
Classification: Uncertain significance for Pyridoxine-dependent epilepsy. Last evaluated: 2019-06-03. Review status: criteria provided, single submitter. Criteria: Invitae Variant Classification Sherloc (09022015). Collection method: clinical testing. Allele origin: germline.
Comment: This sequence change replaces leucine with proline at codon 18 of the ALDH7A1 protein (p.Leu18Pro). The leucine residue is weakly conserved and there is a moderate physicochemical difference between leucine and proline. This variant is not present in population databases (ExAC no frequency). This variant has not been reported in the literature in individuals with ALDH7A1-related conditions. Algorithms developed to predict the effect of missense changes on protein structure and function (SIFT, PolyPhen-2, Align-GVGD) all suggest that this variant is likely to be tolerated, but these predictions have not been confirmed by published functional studies and their clinical significance is uncertain. In summary, the available evidence is currently insufficient to determine the role of this variant in disease. Therefore, it has been classified as a Variant of Uncertain Significance.